The following is an entry in ClinVar:

ClinVar aggregate classification (germline): Likely pathogenic (1 of 4 stars; one submission).

Conditions:
Glycogen storage disease, type II (IOPD). Also called: Pompe Disease; CARDIOMEGALIA GLYCOGENICA DIFFUSA; GLYCOGENOSIS, GENERALIZED, CARDIAC FORM; GSD II; POMPE DISEASE, INFANTILE-ONSET; GLYCOGEN STORAGE DISEASE II, INFANTILE-ONSET. Identifiers: Orphanet 365, MedGen C0017921, MONDO:0009290, OMIM 232300.

Submission:

Genomenon, Inc
Classification: Likely pathogenic for Glycogen storage disease, type II. Last evaluated: 2026-07-01. Review status: criteria provided, single submitter. Criteria: Genomenon Sequence Variant Interpretation Standards - Updated. Collection method: curation. Allele origin: germline. Affected: no.
Comment: GAA p.Asn652GlnfsTer85 (c.1952dup) is a frameshift variant that is predicted to introduce a premature termination codon and result in a truncated or absent protein product. This variant has been reported in the published literature (PMID:33560568). It is absent or not present at a significant frequency in gnomAD. In conclusion, we classify GAA p.Asn652GlnfsTer85 (c.1952dup) as a likely pathogenic variant.

Literature cited by the submitters: PubMed 33560568.

NM_000152.5(GAA):c.1952dup (p.Asn652fs)

Gene: GAA (alpha glucosidase; plus strand). Cytogenetic location: 17q25.3.
Variant type: Duplication.
Coding change: c.1952dup on transcript NM_000152.5 (MANE Select); coding-DNA position 1952, one base duplicated (G; older notation c.1952dupG).
Protein change: p.Asn652fs; shifts the reading frame from asparagine 652.
Molecular consequence: frameshift variant.
Genome position (GRCh38, 1-based): chr17:80,112,939, G duplicated; the last of 3 consecutive G bases (chr17:80,112,937-80,112,939); duplicating any one gives the same sequence. VCF-style (leftmost placement, unchanged base first): chr17-80112936-T-TG. GRCh37 (hg19) VCF-style: chr17-78086735-T-TG.
Other names: c.1952dup, p.Asn652fs (NM_001079803.3, NM_001079804.3, NM_001406741.1 and 1 more transcripts); short protein forms N652fs.
Identifiers: ClinVar variation 4876622 (VCV004876622.1).